The following is an entry in ClinVar:

NM_130466.4(UBE3B):c.49C>T (p.Arg17Cys)

Gene: UBE3B (ubiquitin protein ligase E3B; plus strand). Cytogenetic location: 12q24.11.
Variant type: single nucleotide variant.
Coding change: c.49C>T on transcript NM_130466.4 (MANE Select); coding-DNA position 49, C replaced by T.
Protein change: p.Arg17Cys; replaces arginine 17 with cysteine.
Molecular consequence: missense variant.
Genome position (GRCh38, 1-based): chr12:109,483,600, C>T. VCF-style: chr12-109483600-C-T. GRCh37 (hg19) VCF-style: chr12-109921405-C-T.
Other names: c.49C>T, p.Arg17Cys (NM_001270449.2, NM_001270450.2, NM_001270451.2 and 1 more transcripts); c.49C>T (NM_130466.2); short protein forms R17C.
Identifiers: ClinVar variation 2042688 (VCV002042688.3), dbSNP rs556951575, ClinGen allele CA6777372.

ClinVar aggregate classification (germline): Uncertain significance. Review status: criteria provided, multiple submitters, no conflicts (2 of 4 stars). 2 submissions from 2 submitters: Uncertain significance (2). Last evaluated 2023-05-03.

Conditions:
Inborn genetic diseases. Identifiers: MedGen C0950123, MeSH D030342.

Allele frequency attached by ClinVar (database versions not stated): ExAC 0.00004; gnomAD exomes 0.00004; TOPMed 0.00018; gnomAD 0.00022; 1000 Genomes Project 0.00040; 1000 Genomes Project 30x 0.00047.
gnomAD v4.1: 89 of 1,611,396 alleles (0.0055%); highest among the groups gnomAD compares: Admixed American, 0.086%; no homozygotes.

Submissions (2):

Ambry Genetics
Classification: Uncertain significance for Inborn genetic diseases. Last evaluated: 2023-05-03. Review status: criteria provided, single submitter. Criteria: Ambry Variant Classification Scheme 2023. Collection method: clinical testing. Allele origin: germline.

Labcorp Genetics (formerly Invitae), Labcorp
Classification: Uncertain significance. Last evaluated: 2022-08-23. Review status: criteria provided, single submitter. Criteria: Invitae Variant Classification Sherloc (09022015). Collection method: clinical testing. Allele origin: germline.
Comment: This sequence change replaces arginine, which is basic and polar, with cysteine, which is neutral and slightly polar, at codon 17 of the UBE3B protein (p.Arg17Cys). This variant is present in population databases (rs556951575, gnomAD 0.05%). This variant has not been reported in the literature in individuals affected with UBE3B-related conditions. Algorithms developed to predict the effect of missense changes on protein structure and function are either unavailable or do not agree on the potential impact of this missense change (SIFT: "Deleterious"; PolyPhen-2: "Probably Damaging"; Align-GVGD: "Class C0"). In summary, the available evidence is currently insufficient to determine the role of this variant in disease. Therefore, it has been classified as a Variant of Uncertain Significance.